The following is an entry in ClinVar:

NM_002880.4(RAF1):c.837T>A (p.Asp279Glu)

Gene: RAF1 (Raf-1 proto-oncogene, serine/threonine kinase; minus strand). Cytogenetic location: 3p25.2.
Variant type: single nucleotide variant.
Coding change: c.837T>A on transcript NM_002880.4 (MANE Select); coding-DNA position 837, T replaced by A.
Protein change: p.Asp279Glu; replaces aspartic acid 279 with glutamic acid.
Molecular consequence: missense variant. On other transcripts: non-coding transcript variant (3).
Genome position (GRCh38, 1-based): chr3:12,600,413, A>T on the plus strand (T>A on the coding strand, the complement: RAF1 is on the minus strand). VCF-style: chr3-12600413-A-T. GRCh37 (hg19) VCF-style: chr3-12641912-A-T.
Other names: c.897T>A, p.Asp299Glu (NM_001354689.3); c.837T>A, p.Asp279Glu (NM_001354690.3); c.594T>A, p.Asp198Glu (NM_001354691.3, NM_001354692.3); c.738T>A, p.Asp246Glu (NM_001354693.3); c.654T>A, p.Asp218Glu (NM_001354694.3); c.495T>A, p.Asp165Glu (NM_001354695.3); short protein forms D165E, D198E, D218E, D246E, D279E, D299E.
Identifiers: ClinVar variation 1331356 (VCV001331356.6), dbSNP rs2125381916, ClinGen allele CA351510162.

ClinVar aggregate classification (germline): Uncertain significance. Review status: criteria provided, multiple submitters, no conflicts (2 of 4 stars). 2 submissions from 2 submitters: Uncertain significance (2). Last evaluated 2022-02-28.

Conditions:
RASopathy. Also called: Noonan spectrum disorder; rasopathies. Identifiers: Orphanet 536391, MedGen C5555857, MONDO:0021060.

Submissions (2):

Labcorp Genetics (formerly Invitae), Labcorp
Classification: Uncertain significance for RASopathy. Last evaluated: 2022-02-28. Review status: criteria provided, single submitter. Criteria: Invitae Variant Classification Sherloc (09022015). Collection method: clinical testing. Allele origin: germline.
Comment: This sequence change replaces aspartic acid, which is acidic and polar, with glutamic acid, which is acidic and polar, at codon 279 of the RAF1 protein (p.Asp279Glu). In summary, the available evidence is currently insufficient to determine the role of this variant in disease. Therefore, it has been classified as a Variant of Uncertain Significance. Algorithms developed to predict the effect of missense changes on protein structure and function (SIFT, PolyPhen-2, Align-GVGD) all suggest that this variant is likely to be tolerated. ClinVar contains an entry for this variant (Variation ID: 1331356). This variant has not been reported in the literature in individuals affected with RAF1-related conditions. This variant is not present in population databases (gnomAD no frequency).

Women's Health and Genetics/Laboratory Corporation of America, LabCorp
Classification: Uncertain significance. Last evaluated: 2021-12-04. Review status: criteria provided, single submitter. Criteria: LabCorp Variant Classification Summary - May 2015. Collection method: clinical testing. Allele origin: germline.